The following is an entry in ClinVar:

ClinVar aggregate classification (germline): Uncertain significance (1 of 4 stars; one submission).

Submission:

GeneDx
Classification: Uncertain significance. Last evaluated: 2024-05-24. Review status: criteria provided, single submitter. Criteria: GeneDx Variant Classification Process June 2021. Collection method: clinical testing. Allele origin: germline. Affected: yes.
Comment: Not observed at significant frequency in large population cohorts (gnomAD); In-frame deletion of 2 amino acids in a non-repeat region; In silico analysis indicates that this variant does not alter protein structure/function; Has not been previously published as pathogenic or benign to our knowledge

NM_005159.5(ACTC1):c.1105_1110del (p.Pro369_Ser370del)

Genes: ACTC1 (actin alpha cardiac muscle 1; minus strand), GJD2-DT (GJD2 divergent transcript; plus strand). Cytogenetic location: 15q14.
Variant type: Deletion.
Coding change: c.1105_1110del on transcript NM_005159.5 (MANE Select); coding-DNA positions 1105 to 1110, 6 bases deleted (CCATCC; older notation c.1105_1110delCCATCC).
Protein change: p.Pro369_Ser370del.
Molecular consequence: inframe deletion. On other transcripts: inframe indel (1).
Genome position (GRCh38, 1-based): chr15:34,790,436-34,790,441, GGATGG deleted on the plus strand (CCATCC on the coding strand, the reverse complement: ACTC1 is on the minus strand); deleting any 6 consecutive bases within chr15:34,790,436-34,790,442 gives the same sequence; the c. name uses the placement nearest the transcript's 3' end. VCF-style (leftmost placement, unchanged base first): chr15-34790435-TGGATGG-T. GRCh37 (hg19) VCF-style: chr15-35082636-TGGATGG-T.
Other names: c.1105_1110del, p.Pro369_Ser370del (NM_001406482.1, NM_001406483.1); c.970_975del, p.Pro324_Ser325del (NM_001406484.1); c.664_669del, p.Pro222_Ser223del (NM_001406485.1); c.1104_1109delCCCATC, p.Pro369_Ser370del (NM_005159.4).
Identifiers: ClinVar variation 3381364 (VCV003381364.1).
Genomic context (GRCh38, chr15:34,790,435, plus strand): 5'-CATCCTGACTGGAAGGTAGATGGAGAGAGAAGGCATCTTAGAAGCATTTGCGGTGGACAA[TGGATGG>T]GCCTGCCTCATCGTACTCTTGCTTGCTAATCCACATTTGCTGGAAGGTGGACAGAGAGGC-3'